The following is an entry in ClinVar:

ClinVar aggregate classification (germline): Conflicting classifications of pathogenicity. Review status: criteria provided, conflicting classifications (1 of 4 stars). 4 submissions from 4 submitters: Likely pathogenic (2); Uncertain significance (2). Last evaluated 2025-12-31.

Conditions:
Multiple congenital exostosis (EXT). Also called: MULTIPLE CARTILAGINOUS EXOSTOSES; Hereditary multiple exostoses; Hereditary multiple exostosis; Hereditary multiple osteochondromas; Multiple exostoses; Multiple osteochondromas. Identifiers: Orphanet 321, MedGen C0015306, MONDO:0005508, HP:0002762.

Submissions (5):

Dasa
Classification: Likely pathogenic. Last evaluated: 2025-12-31. Review status: criteria provided, single submitter. Criteria: DASA Assertion Criteria. Collection method: clinical testing. Allele origin: germline.
Comment: NM_000127.3(EXT1):c.1057-3C>G is a splice-region variant predicted to affect normal RNA splicing. This variant has been recurrently observed in individuals with related phenotype (PMID: 19810120; PMID: 23439489). Multiple computational predictions support a deleterious effect on the gene or gene product. The variant is present at low frequency in population datasets. Based on the available data, this variant is classified as likely pathogenic.

Labcorp Genetics (formerly Invitae), Labcorp
Classification: Likely pathogenic for Multiple congenital exostosis. Last evaluated: 2025-03-04. Review status: criteria provided, single submitter. Criteria: Invitae Variant Classification Sherloc (09022015). Collection method: clinical testing. Allele origin: germline.
Comment: This sequence change falls in intron 2 of the EXT1 gene. It does not directly change the encoded amino acid sequence of the EXT1 protein. It affects a nucleotide within the consensus splice site. This variant is not present in population databases (gnomAD no frequency). This variant has been observed in individual(s) with hereditary multiple osteochondroma (PMID: 19810120, 23439489; internal data). ClinVar contains an entry for this variant (Variation ID: 2501572). Variants that disrupt the consensus splice site are a relatively common cause of aberrant splicing (PMID: 17576681, 9536098). Algorithms developed to predict the effect of sequence changes on RNA splicing suggest that this variant may disrupt the consensus splice site. In summary, the currently available evidence indicates that the variant is pathogenic, but additional data are needed to prove that conclusively. Therefore, this variant has been classified as Likely Pathogenic.

Blueprint Genetics
Classification: Uncertain significance. Last evaluated: 2024-02-13. Review status: criteria provided, single submitter. Criteria: ACMG Guidelines, 2015. Collection method: clinical testing. Allele origin: germline.

GeneDx
Classification: Uncertain significance. Last evaluated: 2023-05-02. Review status: criteria provided, single submitter. Criteria: GeneDx Variant Classification Process June 2021. Collection method: clinical testing. Allele origin: germline. Affected: yes.
Comment: Not observed at significant frequency in large population cohorts (gnomAD); In silico analysis supports a deleterious effect on splicing; Multiple neighboring canonical splice variants altering the same intron 2 splice acceptor site identified in the literature (HGMD) and at GeneDx in patients with HMO; This variant is associated with the following publications: (PMID: 25525159, 23439489, 19810120)

Dr. Peter K. Rogan Lab, Western University
No classification provided (evidence only). Condition: Malignant tumor of esophagus. Review status: no classification provided. Collection method: in vitro. Allele origin: not applicable. Functional consequence: retained intron. Not counted in ClinVar's aggregate classification.

Literature cited by the submitters: PubMed 19810120 (cited by Dasa and Labcorp Genetics (formerly Invitae), Labcorp); PubMed 23439489 (cited by Dasa and Labcorp Genetics (formerly Invitae), Labcorp); PubMed 17576681 (cited by Labcorp Genetics (formerly Invitae), Labcorp); PubMed 9536098 (cited by Labcorp Genetics (formerly Invitae), Labcorp).

NM_000127.3(EXT1):c.1057-3C>G

Gene: EXT1 (exostosin glycosyltransferase 1; minus strand). Cytogenetic location: 8q24.11.
Variant type: single nucleotide variant.
Coding change: c.1057-3C>G on transcript NM_000127.3 (MANE Select); 3 bases into the intron before coding-DNA position 1057, C replaced by G.
Molecular consequence: intron variant.
Genome position (GRCh38, 1-based): chr8:117,835,554, G>C on the plus strand (C>G on the coding strand, the complement: EXT1 is on the minus strand). VCF-style: chr8-117835554-G-C. GRCh37 (hg19) VCF-style: chr8-118847793-G-C.
Identifiers: ClinVar variation 2501572 (VCV002501572.7), dbSNP rs200927981, ClinGen allele CA2580617226.